The following is an entry in ClinVar:

ClinVar aggregate classification (germline): Uncertain significance. Review status: criteria provided, multiple submitters, no conflicts (2 of 4 stars). 3 submissions from 3 submitters: Uncertain significance (3). Last evaluated 2021-10-26.

Conditions:
Congenital muscular dystrophy due to integrin alpha-7 deficiency. Also called: Congenital muscular dystrophy with integrin alpha-7 deficiency; MYOPATHY, CONGENITAL, DUE TO INTEGRIN ALPHA-7 DEFICIENCY; Muscular dystrophy, congenital, due to ITGA7 deficiency. Identifiers: Orphanet 34520, MedGen C2750786, MONDO:0013177, OMIM 613204.

Allele frequency attached by ClinVar (database versions not stated): gnomAD exomes 0.00002 and 0.00004; ExAC 0.00004; TOPMed 0.00005; gnomAD 0.00006 and 0.00007; ESP Exome Variant Server 0.00008.
gnomAD v4.1: 44 of 1,614,144 alleles (0.0027%); highest among the groups gnomAD compares: Non-Finnish European, 0.0027%; no homozygotes.

Submissions (3):

Ambry Genetics
Classification: Uncertain significance. Last evaluated: 2021-10-26. Review status: criteria provided, single submitter. Criteria: Ambry Variant Classification Scheme 2023. Collection method: clinical testing. Allele origin: germline.

Labcorp Genetics (formerly Invitae), Labcorp
Classification: Uncertain significance for Congenital muscular dystrophy due to integrin alpha-7 deficiency. Last evaluated: 2021-08-04. Review status: criteria provided, single submitter. Criteria: Invitae Variant Classification Sherloc (09022015). Collection method: clinical testing. Allele origin: germline.
Comment: This sequence change replaces leucine with proline at codon 1100 of the ITGA7 protein (p.Leu1100Pro). The leucine residue is weakly conserved and there is a moderate physicochemical difference between leucine and proline. This variant is present in population databases (rs370654924, ExAC 0.008%). This variant has not been reported in the literature in individuals affected with ITGA7-related conditions. Algorithms developed to predict the effect of missense changes on protein structure and function are either unavailable or do not agree on the potential impact of this missense change (SIFT: "Tolerated"; PolyPhen-2: "Possibly Damaging"; Align-GVGD: "Class C0"). In summary, the available evidence is currently insufficient to determine the role of this variant in disease. Therefore, it has been classified as a Variant of Uncertain Significance.

GeneDx
Classification: Uncertain significance. Last evaluated: 2019-07-22. Review status: criteria provided, single submitter. Criteria: GeneDx Variant Classification Process June 2021. Collection method: clinical testing. Allele origin: germline. Affected: yes.
Comment: Not observed at a significant frequency in large population cohorts (Lek et al., 2016); In silico analysis, which includes protein predictors and evolutionary conservation, supports that this variant does not alter protein structure/function; Has not been previously published as pathogenic or benign to our knowledge

NM_002206.3(ITGA7):c.3299T>C (p.Leu1100Pro)

Gene: ITGA7 (integrin subunit alpha 7; minus strand). Cytogenetic location: 12q13.2.
Variant type: single nucleotide variant.
Coding change: c.3299T>C on transcript NM_002206.3 (MANE Select); coding-DNA position 3299, T replaced by C.
Protein change: p.Leu1100Pro; replaces leucine 1100 with proline.
Molecular consequence: missense variant.
Genome position (GRCh38, 1-based): chr12:55,685,173, A>G on the plus strand (T>C on the coding strand, the complement: ITGA7 is on the minus strand). VCF-style: chr12-55685173-A-G. GRCh37 (hg19) VCF-style: chr12-56078957-A-G.
Other names: c.3311T>C, p.Leu1104Pro (NM_001144996.2); c.3020T>C, p.Leu1007Pro (NM_001144997.2); c.2972T>C, p.Leu991Pro (NM_001367993.1); c.1955T>C, p.Leu652Pro (NM_001367994.1); c.3281T>C, p.Leu1094Pro (NM_001374465.1); c.3431T>C, p.Leu1144Pro (NM_001410977.1); c.3293T>C, p.Leu1098Pro (NM_001414029.1); c.3224T>C, p.Leu1075Pro (NM_001414030.1); and 5 more; short protein forms L1007P, L1100P, L652P, L991P, L1104P, L1094P, L1144P, L1025P.
Identifiers: ClinVar variation 569490 (VCV000569490.10), dbSNP rs370654924, ClinGen allele CA6615250.